The following is an entry in ClinVar:

NC_000002.12:g.(?_71109950)_(71130239_?)del

Gene: MCEE (methylmalonyl-CoA epimerase; minus strand). Cytogenetic location: 2p13.3.
Variant type: Deletion.
Identifiers: ClinVar variation 833393 (VCV000833393.1).

ClinVar aggregate classification (germline): Pathogenic (1 of 4 stars; one submission).

Conditions:
Methylmalonic acidemia due to methylmalonyl-CoA epimerase deficiency. Also called: METHYLMALONYL-CoA RACEMASE DEFICIENCY; Methylmalonyl-CoA Epimerase Deficiency; METHYLMALONIC ACIDURIA III. Identifiers: Orphanet 308425, MedGen C1855100, MONDO:0009615, OMIM 251120.

Submission:

Labcorp Genetics (formerly Invitae), Labcorp
Classification: Pathogenic for Methylmalonyl-CoA epimerase deficiency. Last evaluated: 2019-10-24. Review status: criteria provided, single submitter. Criteria: Invitae Variant Classification Sherloc (09022015). Collection method: clinical testing. Allele origin: germline.
Comment: A gross deletion of the genomic region encompassing the full coding sequence of the MCEE gene has been identified. The boundaries of this event are unknown as the deletion extends beyond the assayed region for this gene and therefore may encompass additional genes. This variant has not been reported in the literature in individuals with MCEE-related conditions. Loss-of-function variants in MCEE are known to be pathogenic (PMID: 16697227, 16752391, 30682498). For these reasons, this variant has been classified as Pathogenic.